The following is an entry in ClinVar:

ClinVar aggregate classification (germline): Likely pathogenic (1 of 4 stars; one submission).

Submissions (3):

GeneDx
Classification: Likely pathogenic. Last evaluated: 2022-01-24. Review status: criteria provided, single submitter. Criteria: GeneDx Variant Classification Process June 2021. Collection method: clinical testing. Allele origin: germline. Affected: yes.
Comment: Has not been previously published as pathogenic or benign to our knowledge; Not observed at significant frequency in large population cohorts (gnomAD); Canonical splice site variant predicted to result in a null allele in a gene for which loss-of-function is a known mechanism of disease

Dr. Peter K. Rogan Lab, Western University
No classification provided (evidence only). Condition: Thyroid cancer, nonmedullary, 1. Review status: no classification provided. Collection method: in vitro. Allele origin: not applicable. Functional consequence: retained intron. Not counted in ClinVar's aggregate classification.

Dr. Peter K. Rogan Lab, Western University
No classification provided (evidence only). Condition: Thyroid cancer, nonmedullary, 1. Review status: no classification provided. Collection method: in vitro. Allele origin: not applicable. Functional consequence: retained intron. Not counted in ClinVar's aggregate classification.

NM_001367721.1(CASK):c.173-1G>T

Gene: CASK (calcium/calmodulin dependent serine protein kinase; minus strand). Cytogenetic location: Xp11.4.
Variant type: single nucleotide variant.
Coding change: c.173-1G>T on transcript NM_001367721.1 (MANE Select); the canonical splice acceptor site of the intron before coding-DNA position 173, G replaced by T.
Molecular consequence: splice acceptor variant.
Genome position (GRCh38, 1-based): chrX:41,787,284, C>A on the plus strand (G>T on the coding strand, the complement: CASK is on the minus strand). VCF-style: chrX-41787284-C-A. GRCh37 (hg19) VCF-style: chrX-41646537-C-A.
Other names: NC_000023.10:g.41646537C>A; c.173-1G>T (NM_001126055.3, NM_001410745.1, NM_001126054.3 and 1 more transcripts).
Identifiers: ClinVar variation 1327823 (VCV001327823.4), dbSNP rs2147833223, ClinGen allele CA413002759.